The following is an entry in ClinVar:

NM_001177316.2(SLC34A3):c.925+29A>C

Gene: SLC34A3 (solute carrier family 34 member 3; plus strand). Cytogenetic location: 9q34.3.
Variant type: single nucleotide variant.
Coding change: c.925+29A>C on transcript NM_001177316.2 (MANE Select); 29 bases into the intron after coding-DNA position 925, A replaced by C.
Molecular consequence: intron variant.
Genome position (GRCh38, 1-based): chr9:137,233,970, A>C. VCF-style: chr9-137233970-A-C. GRCh37 (hg19) VCF-style: chr9-140128422-A-C.
Other names: c.925+29A>C (NM_001177317.2, NM_080877.3).
Identifiers: ClinVar variation 3038723 (VCV003038723.2), dbSNP rs1238143431, ClinGen allele CA591373928.

ClinVar aggregate classification (germline): Likely benign (0 of 4 stars; one submission).

Conditions:
SLC34A3-related disorder. Also called: SLC34A3-related condition.

Submission:

PreventionGenetics, part of Exact Sciences
Classification: Likely benign for SLC34A3-related condition. Last evaluated: 2019-10-22. Review status: no assertion criteria provided. Collection method: clinical testing. Allele origin: germline.
Comment: This variant is classified as likely benign based on ACMG/AMP sequence variant interpretation guidelines (Richards et al. 2015 PMID: 25741868, with internal and published modifications).